The following is an entry in ClinVar:

ClinVar aggregate classification (germline): Uncertain significance (1 of 4 stars; one submission).

gnomAD v4.1: 7 of 1,610,400 alleles (0.00043%); highest among the groups gnomAD compares: Non-Finnish European, 0.00051%; no homozygotes.

Submission:

Labcorp Genetics (formerly Invitae), Labcorp
Classification: Uncertain significance. Last evaluated: 2025-04-17. Review status: criteria provided, single submitter. Criteria: Invitae Variant Classification Sherloc (09022015). Collection method: clinical testing. Allele origin: germline.
Comment: This sequence change replaces arginine, which is basic and polar, with glutamine, which is neutral and polar, at codon 658 of the ABL1 protein (p.Arg658Gln). This variant is not present in population databases (gnomAD no frequency). This variant has not been reported in the literature in individuals affected with ABL1-related conditions. Invitae Evidence Modeling of protein sequence and biophysical properties (such as structural, functional, and spatial information, amino acid conservation, physicochemical variation, residue mobility, and thermodynamic stability) indicates that this missense variant is not expected to disrupt ABL1 protein function with a negative predictive value of 95%. In summary, the available evidence is currently insufficient to determine the role of this variant in disease. Therefore, it has been classified as a Variant of Uncertain Significance.

NM_005157.6(ABL1):c.1916G>A (p.Arg639Gln)

Gene: ABL1 (ABL proto-oncogene 1, non-receptor tyrosine kinase; plus strand). Cytogenetic location: 9q34.12.
Variant type: single nucleotide variant.
Coding change: c.1916G>A on transcript NM_005157.6 (MANE Select); coding-DNA position 1916, G replaced by A.
Protein change: p.Arg639Gln; replaces arginine 639 with glutamine.
Molecular consequence: missense variant.
Genome position (GRCh38, 1-based): chr9:130,884,206, G>A. VCF-style: chr9-130884206-G-A. GRCh37 (hg19) VCF-style: chr9-133759593-G-A.
Other names: c.1973G>A, p.Arg658Gln (NM_007313.3); short protein forms R658Q, R639Q.
Identifiers: ClinVar variation 4698338 (VCV004698338.1).